The following is an entry in ClinVar:

ClinVar aggregate classification (germline): Likely benign. Review status: criteria provided, multiple submitters, no conflicts (2 of 4 stars). 6 submissions from 6 submitters: Likely benign (4). 2 of the submissions do not count toward it. Last evaluated 2026-02-02.

Conditions:
Wilson disease (WND). Also called: Wilson's disease. Identifiers: Orphanet 905, MedGen C0019202, MONDO:0010200, OMIM 277900. Disease mechanism: loss of function.
ATP7B-related disorder. Also called: ATP7B-related condition.

Allele frequency attached by ClinVar (database versions not stated): ExAC 0.00001; gnomAD exomes 0.00002; gnomAD 0.00014 and 0.00017; TOPMed 0.00050.
gnomAD v4.1: 46 of 1,613,722 alleles (0.0029%); highest among the groups gnomAD compares: Admixed American, 0.053%; no homozygotes.

Submissions (6):

Labcorp Genetics (formerly Invitae), Labcorp
Classification: Likely benign for Wilson disease. Last evaluated: 2026-02-02. Review status: criteria provided, single submitter. Criteria: Invitae Variant Classification Sherloc (09022015). Collection method: clinical testing. Allele origin: germline.

All of Us Research Program, National Institutes of Health
Classification: Likely benign for Wilson disease. Last evaluated: 2024-02-05. Review status: criteria provided, single submitter. Criteria: ACMG Guidelines, 2015. Collection method: clinical testing. Allele origin: germline. Inheritance: Autosomal recessive inheritance. Observed: 18 variant alleles, 18 heterozygotes.
Comment: This study involves interpretation of variants in research participants for the purpose of population health screening. Participant phenotype was not available at the time of variant classification. Additional details can be found in publication PMID: 35346344, PMCID: PMC8962531

Color Diagnostics, LLC DBA Color Health
Classification: Likely benign for Wilson disease. Last evaluated: 2022-04-22. Review status: criteria provided, single submitter. Criteria: ACMG Guidelines, 2015. Collection method: clinical testing. Allele origin: germline.

Women's Health and Genetics/Laboratory Corporation of America, LabCorp
Classification: Likely benign. Last evaluated: 2019-08-21. Review status: criteria provided, single submitter. Criteria: LabCorp Variant Classification Summary - May 2015. Collection method: clinical testing. Allele origin: germline.

PreventionGenetics, part of Exact Sciences
Classification: Likely benign for ATP7B-related condition. Last evaluated: 2024-02-13. Review status: no assertion criteria provided. Collection method: clinical testing. Allele origin: germline. Not counted in ClinVar's aggregate classification.
Comment: This variant is classified as likely benign based on ACMG/AMP sequence variant interpretation guidelines (Richards et al. 2015 PMID: 25741868, with internal and published modifications).

Natera, Inc.
Classification: Likely benign for Wilson disease. Last evaluated: 2020-09-16. Review status: no assertion criteria provided. Collection method: clinical testing. Allele origin: germline. Not counted in ClinVar's aggregate classification.

NM_000053.4(ATP7B):c.2859C>T (p.Tyr953=)

Gene: ATP7B (ATPase copper transporting beta; minus strand). Cytogenetic location: 13q14.3.
Variant type: single nucleotide variant.
Coding change: c.2859C>T on transcript NM_000053.4 (MANE Select); coding-DNA position 2859, C replaced by T.
Protein change: p.Tyr953=; no amino-acid change (tyrosine 953 retained).
Molecular consequence: synonymous variant. On other transcripts: intron variant (1).
Genome position (GRCh38, 1-based): chr13:51,949,668, G>A on the plus strand (C>T on the coding strand, the complement: ATP7B is on the minus strand). VCF-style: chr13-51949668-G-A. GRCh37 (hg19) VCF-style: chr13-52523804-G-A.
Other names: c.2526C>T, p.Tyr842= (NM_001243182.2); c.2625C>T, p.Tyr875= (NM_001330578.2); c.2607C>T, p.Tyr869= (NM_001330579.2); c.2244+339C>T (NM_001005918.3).
Identifiers: ClinVar variation 632658 (VCV000632658.15), dbSNP rs762782389, ClinGen allele CA6988895.